The following is an entry in ClinVar:

NM_002890.3(RASA1):c.1990_1994del (p.Lys664fs)

Genes: CCNH (cyclin H; minus strand), RASA1 (RAS p21 protein activator 1; plus strand). Cytogenetic location: 5q14.3.
Variant type: Deletion.
Coding change: c.1990_1994del on transcript NM_002890.3 (MANE Select); coding-DNA positions 1990 to 1994, 5 bases deleted (AAAAG; older notation c.1990_1994delAAAAG).
Protein change: p.Lys664fs; shifts the reading frame from lysine 664.
Molecular consequence: frameshift variant. On other transcripts: intron variant (1).
Genome position (GRCh38, 1-based): chr5:87,374,895-87,374,899, AAAAG deleted; deleting any 5 consecutive bases within chr5:87,374,891-87,374,899 gives the same sequence; the c. name uses the placement nearest the transcript's 3' end. VCF-style (leftmost placement, unchanged base first): chr5-87374890-CAAAGA-C. GRCh37 (hg19) VCF-style: chr5-86670707-CAAAGA-C.
Other names: c.1459_1463del, p.Lys487fs (NM_022650.3); c.933+20149_933+20153del (NM_001364075.2); short protein forms K487fs, K664fs.
Identifiers: ClinVar variation 2696755 (VCV002696755.3), dbSNP rs2531342060, ClinGen allele CA2697546319.

ClinVar aggregate classification (germline): Pathogenic (1 of 4 stars; one submission).

Conditions:
Capillary malformation-arteriovenous malformation syndrome. Also called: Capillary malformation-arteriovenous malformation. Identifiers: Orphanet 137667, MedGen C1842180, MONDO:0012016.

Submission:

Labcorp Genetics (formerly Invitae), Labcorp
Classification: Pathogenic for Capillary malformation-arteriovenous malformation syndrome. Last evaluated: 2024-02-15. Review status: criteria provided, single submitter. Criteria: Invitae Variant Classification Sherloc (09022015). Collection method: clinical testing. Allele origin: germline.
Comment: This sequence change creates a premature translational stop signal (p.Lys664Glnfs*4) in the RASA1 gene. It is expected to result in an absent or disrupted protein product. Loss-of-function variants in RASA1 are known to be pathogenic (PMID: 24038909). This variant is not present in population databases (gnomAD no frequency). This variant has not been reported in the literature in individuals affected with RASA1-related conditions. Algorithms developed to predict the effect of sequence changes on RNA splicing suggest that this variant may disrupt the consensus splice site. For these reasons, this variant has been classified as Pathogenic.

Literature cited by the submitters: PubMed 24038909.